The following is an entry in ClinVar:

ClinVar aggregate classification (germline): Uncertain significance (0 of 4 stars; one submission).

Submission:

Leiden Open Variation Database
Classification: Uncertain significance. Last evaluated: 2018-10-10. Review status: no assertion criteria provided. Collection method: curation. Allele origin: germline. Affected: yes.
Comment: Curators: Marc Tischkowitz, Arleen D. Auerbach. Submitter to LOVD: Yukihide Momozawa.

Literature cited by the submitters: PubMed 30287823.

NM_024675.4(PALB2):c.896C>G (p.Ser299Cys)

Gene: PALB2 (partner and localizer of BRCA2; minus strand). Cytogenetic location: 16p12.2.
Variant type: single nucleotide variant.
Coding change: c.896C>G on transcript NM_024675.4 (MANE Select); coding-DNA position 896, C replaced by G.
Protein change: p.Ser299Cys; replaces serine 299 with cysteine.
Molecular consequence: missense variant.
Genome position (GRCh38, 1-based): chr16:23,635,650, G>C on the plus strand (C>G on the coding strand, the complement: PALB2 is on the minus strand). VCF-style: chr16-23635650-G-C. GRCh37 (hg19) VCF-style: chr16-23646971-G-C.
Other names: short protein forms S299C.
Identifiers: ClinVar variation 830124 (VCV000830124.1), dbSNP rs1967011427, ClinGen allele CA395135574.